The following is an entry in ClinVar:

NM_001393769.1(MED12L):c.4850C>G (p.Ser1617Cys)

Genes: MED12L (mediator complex subunit 12L; plus strand), P2RY12 (purinergic receptor P2Y12; minus strand). Cytogenetic location: 3q25.1.
Variant type: single nucleotide variant.
Coding change: c.4850C>G on transcript NM_001393769.1 (MANE Select); coding-DNA position 4850, C replaced by G.
Protein change: p.Ser1617Cys; replaces serine 1617 with cysteine.
Molecular consequence: missense variant. On other transcripts: intron variant (1).
Genome position (GRCh38, 1-based): chr3:151,384,142, C>G. VCF-style: chr3-151384142-C-G. GRCh37 (hg19) VCF-style: chr3-151101930-C-G.
Other names: c.4745C>G, p.Ser1582Cys (NM_053002.6); c.-180+550G>C (NM_022788.5); short protein forms S1582C, S1617C.
Identifiers: ClinVar variation 1318720 (VCV001318720.2), dbSNP rs2108160499, ClinGen allele CA354974389.

ClinVar aggregate classification (germline): Uncertain significance (1 of 4 stars; one submission).

Submission:

GeneDx
Classification: Uncertain significance. Last evaluated: 2020-10-28. Review status: criteria provided, single submitter. Criteria: GeneDx Variant Classification Process June 2021. Collection method: clinical testing. Allele origin: germline. Affected: yes.
Comment: Has not been previously published as pathogenic or benign to our knowledge; Not observed in large population cohorts (Lek et al., 2016); In silico analysis supports that this missense variant has a deleterious effect on protein structure/function